The following is an entry in ClinVar:

NM_017617.5(NOTCH1):c.5184G>A (p.Pro1728=)

Gene: NOTCH1 (notch receptor 1; minus strand). Cytogenetic location: 9q34.3.
Variant type: single nucleotide variant.
Coding change: c.5184G>A on transcript NM_017617.5 (MANE Select); coding-DNA position 5184, G replaced by A.
Protein change: p.Pro1728=; no amino-acid change (proline 1728 retained).
Molecular consequence: synonymous variant.
Genome position (GRCh38, 1-based): chr9:136,502,472, C>T on the plus strand (G>A on the coding strand, the complement: NOTCH1 is on the minus strand). VCF-style: chr9-136502472-C-T. GRCh37 (hg19) VCF-style: chr9-139396924-C-T.
Other names: c.5184G>A, p.Pro1728= (LRG_1122t1).
Identifiers: ClinVar variation 513762 (VCV000513762.12), dbSNP rs760548371, ClinGen allele CA5340370.

ClinVar aggregate classification (germline): Likely benign. Review status: criteria provided, multiple submitters, no conflicts (2 of 4 stars). 5 submissions from 4 submitters: Likely benign (5). Last evaluated 2025-12-20.

Conditions:
Aortic valve disease 1 (AOVD1). Identifiers: MedGen C3887892, MONDO:0024523, OMIM 109730.
Familial thoracic aortic aneurysm and aortic dissection (TAAD). Also called: Thoracic aortic aneurysms and dissections. Identifiers: Orphanet 91387, MedGen C4707243, MONDO:0019625.
Adams-Oliver syndrome 5 (AOS5). Identifiers: Orphanet 974, MedGen C4014970, MONDO:0014459, OMIM 616028.

Allele frequency attached by ClinVar (database versions not stated): gnomAD 0.00001; gnomAD exomes 0.00002; ExAC 0.00003; TOPMed 0.00003.
gnomAD v4.1: 7 of 1,573,786 alleles (0.00044%); highest among the groups gnomAD compares: Admixed American, 0.0018%; no homozygotes.

Submissions (5):

Labcorp Genetics (formerly Invitae), Labcorp
Classification: Likely benign for Adams-Oliver syndrome 5. Last evaluated: 2025-12-20. Review status: criteria provided, single submitter. Criteria: Invitae Variant Classification Sherloc (09022015). Collection method: clinical testing. Allele origin: germline.

Ambry Genetics
Classification: Likely benign for Familial thoracic aortic aneurysm and aortic dissection. Last evaluated: 2022-10-23. Review status: criteria provided, single submitter. Criteria: Ambry Variant Classification Scheme 2023. Collection method: clinical testing. Allele origin: germline.

Genome-Nilou Lab
Classification: Likely benign for Adams-Oliver syndrome 5. Last evaluated: 2022-03-15. Review status: criteria provided, single submitter. Criteria: ACMG Guidelines, 2015. Collection method: clinical testing. Allele origin: germline. Affected: no.

Genome-Nilou Lab
Classification: Likely benign for Aortic valve disease 1. Last evaluated: 2022-03-15. Review status: criteria provided, single submitter. Criteria: ACMG Guidelines, 2015. Collection method: clinical testing. Allele origin: germline. Affected: no.

GeneDx
Classification: Likely benign. Last evaluated: 2017-11-30. Review status: criteria provided, single submitter. Criteria: GeneDx Variant Classification (06012015). Collection method: clinical testing. Allele origin: germline. Affected: yes.
Comment: This variant is considered likely benign or benign based on one or more of the following criteria: it is a conservative change, it occurs at a poorly conserved position in the protein, it is predicted to be benign by multiple in silico algorithms, and/or has population frequency not consistent with disease.